The following is an entry in ClinVar:

NM_000152.5(GAA):c.842G>T (p.Arg281Leu)

Gene: GAA (alpha glucosidase; plus strand). Cytogenetic location: 17q25.3.
Variant type: single nucleotide variant.
Coding change: c.842G>T on transcript NM_000152.5 (MANE Select); coding-DNA position 842, G replaced by T.
Protein change: p.Arg281Leu; replaces arginine 281 with leucine.
Molecular consequence: missense variant.
Genome position (GRCh38, 1-based): chr17:80,107,706, G>T. VCF-style: chr17-80107706-G-T. GRCh37 (hg19) VCF-style: chr17-78081505-G-T.
Other names: c.842G>T, p.Arg281Leu (NM_001079803.3, NM_001079804.3, NM_001406741.1 and 1 more transcripts); short protein forms R281L.
Identifiers: ClinVar variation 4876667 (VCV004876667.1).

ClinVar aggregate classification (germline): Likely pathogenic (1 of 4 stars; one submission).

Conditions:
Glycogen storage disease, type II (IOPD). Also called: Pompe Disease; CARDIOMEGALIA GLYCOGENICA DIFFUSA; GLYCOGENOSIS, GENERALIZED, CARDIAC FORM; GSD II; POMPE DISEASE, INFANTILE-ONSET; GLYCOGEN STORAGE DISEASE II, INFANTILE-ONSET. Identifiers: Orphanet 365, MedGen C0017921, MONDO:0009290, OMIM 232300.

Submission:

Genomenon, Inc
Classification: Likely pathogenic for Glycogen storage disease, type II. Last evaluated: 2026-07-01. Review status: criteria provided, single submitter. Criteria: Genomenon Sequence Variant Interpretation Standards - Updated. Collection method: curation. Allele origin: germline. Affected: yes.
Comment: GAA p.Arg281Leu (c.842G>T) is a missense variant that changes the amino acid at codon 281 from Arginine to Leucine. This variant has been observed in at least one proband with a GAA-related disorder in the compound heterozygous and/or homozygous state (PMID:38715621). The presence of pathogenic/likely pathogenic missense variant(s) at the same amino acid position indicates that this residue is likely important for protein function. It is absent or not present at a significant frequency in gnomAD. In silico models predict that this variant is possibly or probably damaging. In conclusion, we classify GAA p.Arg281Leu (c.842G>T) as a likely pathogenic variant.

Literature cited by the submitters: PubMed 38715621.